The following is an entry in ClinVar:

ClinVar aggregate classification (germline): Uncertain significance (1 of 4 stars; one submission).

Conditions:
AIFM1-related disorder. Also called: AIFM1-related condition.

Submission:

3billion
Classification: Uncertain significance for AIFM1-related disorder. Last evaluated: 2025-07-16. Review status: criteria provided, single submitter. Criteria: ACMG Guidelines, 2015. Collection method: clinical testing. Allele origin: germline. Affected: yes.
Comment: The variant is not observed in the gnomAD v4.1.0 dataset. Predicted Consequence/Location: Missense variant. Missense changes are a common disease-causing mechanism. Therefore, this variant is classified as VUS according to the recommendation of ACMG/AMP guideline.

NM_004208.4(AIFM1):c.677C>T (p.Ala226Val)

Genes: AIFM1 (apoptosis inducing factor mitochondria associated 1; minus strand), RAB33A (RAB33A, member RAS oncogene family; plus strand). Cytogenetic location: Xq26.1.
Variant type: single nucleotide variant.
Coding change: c.677C>T on transcript NM_004208.4 (MANE Select); coding-DNA position 677, C replaced by T.
Protein change: p.Ala226Val; replaces alanine 226 with valine.
Molecular consequence: missense variant. On other transcripts: non-coding transcript variant (1).
Genome position (GRCh38, 1-based): chrX:130,145,498, G>A on the plus strand (C>T on the coding strand, the complement: AIFM1 is on the minus strand). VCF-style: chrX-130145498-G-A. GRCh37 (hg19) VCF-style: chrX-129279473-G-A.
Other names: c.677C>T, p.Ala226Val (NM_001130847.4); c.665C>T, p.Ala222Val (NM_145812.3); short protein forms A222V, A226V.
Identifiers: ClinVar variation 4854893 (VCV004854893.1).